The following is an entry in ClinVar:

ClinVar aggregate classification (germline): Uncertain significance. Review status: criteria provided, multiple submitters, no conflicts (2 of 4 stars). 3 submissions from 3 submitters: Uncertain significance (3). Last evaluated 2025-12-10.

Conditions:
PDE6B-related disorder. Also called: PDE6B-related disease; PDE6B-related condition; PDE6B-related disorders.

Allele frequency attached by ClinVar (database versions not stated): gnomAD 0.00001; TOPMed 0.00002; ExAC 0.00003; gnomAD exomes 0.00003.
gnomAD v4.1: 49 of 1,613,008 alleles (0.003%); highest among the groups gnomAD compares: Middle Eastern, 0.016%; no homozygotes.

Submissions (3):

Labcorp Genetics (formerly Invitae), Labcorp
Classification: Uncertain significance. Last evaluated: 2025-12-10. Review status: criteria provided, single submitter. Criteria: Invitae Variant Classification Sherloc (09022015). Collection method: clinical testing. Allele origin: germline.
Comment: This sequence change replaces threonine, which is neutral and polar, with isoleucine, which is neutral and non-polar, at codon 432 of the PDE6B protein (p.Thr432Ile). This variant is present in population databases (rs775120495, gnomAD 0.003%). This variant has not been reported in the literature in individuals affected with PDE6B-related conditions. ClinVar contains an entry for this variant (Variation ID: 1501560). Invitae Evidence Modeling of protein sequence and biophysical properties (such as structural, functional, and spatial information, amino acid conservation, physicochemical variation, residue mobility, and thermodynamic stability) has been performed for this missense variant. However, the output from this modeling did not meet the statistical confidence thresholds required to predict the impact of this variant on PDE6B protein function. In summary, the available evidence is currently insufficient to determine the role of this variant in disease. Therefore, it has been classified as a Variant of Uncertain Significance.

PreventionGenetics, part of Exact Sciences
Classification: Uncertain significance for PDE6B-related condition. Last evaluated: 2025-10-19. Review status: criteria provided, single submitter. Criteria: ACMG Guidelines, 2015. Collection method: clinical testing. Allele origin: germline.
Comment: The PDE6B c.1295C>T variant is predicted to result in the amino acid substitution p.Thr432Ile. This variant has been reported in the heterozygous state in an individual with retinal disease, whose disease could be explained by variants in the RP1 gene (El Shamieh et al. 2015. PubMed ID: 25692139). This variant is present in 0.0035% of alleles in individuals of European (Non-Finnish) descent in gnomAD. At this time, the clinical significance of this variant is uncertain due to the absence of conclusive functional and genetic evidence.

Blueprint Genetics
Classification: Uncertain significance. Last evaluated: 2021-06-02. Review status: criteria provided, single submitter. Criteria: ACMG Guidelines, 2015. Collection method: clinical testing. Allele origin: germline.

NM_000283.4(PDE6B):c.1295C>T (p.Thr432Ile)

Gene: PDE6B (phosphodiesterase 6B; plus strand). Cytogenetic location: 4p16.3.
Variant type: single nucleotide variant.
Coding change: c.1295C>T on transcript NM_000283.4 (MANE Select); coding-DNA position 1295, C replaced by T.
Protein change: p.Thr432Ile; replaces threonine 432 with isoleucine.
Molecular consequence: missense variant.
Genome position (GRCh38, 1-based): chr4:657,388, C>T. VCF-style: chr4-657388-C-T. GRCh37 (hg19) VCF-style: chr4-651177-C-T.
Other names: c.1295C>T, p.Thr432Ile (NM_001145291.2); c.458C>T, p.Thr153Ile (NM_001145292.2, NM_001350154.3, NM_001379246.1 and 1 more transcripts); c.140C>T, p.Thr47Ile (NM_001350155.3); c.1295C>T (NM_000283.3); short protein forms T153I, T432I, T47I.
Identifiers: ClinVar variation 1501560 (VCV001501560.8), dbSNP rs775120495, ClinGen allele CA2794442.